The following is an entry in ClinVar:

NM_000051.4(ATM):c.5436T>G (p.Ala1812=)

Gene: ATM (ATM serine/threonine kinase; plus strand). Cytogenetic location: 11q22.3.
Variant type: single nucleotide variant.
Coding change: c.5436T>G on transcript NM_000051.4 (MANE Select); coding-DNA position 5436, T replaced by G.
Protein change: p.Ala1812=; no amino-acid change (alanine 1812 retained).
Molecular consequence: synonymous variant.
Genome position (GRCh38, 1-based): chr11:108,302,969, T>G. VCF-style: chr11-108302969-T-G. GRCh37 (hg19) VCF-style: chr11-108173696-T-G.
Other names: c.5436T>G, p.Ala1812= (NM_001351834.2).
Identifiers: ClinVar variation 524426 (VCV000524426.14), dbSNP rs1555106502, ClinGen allele CA476674988.
Genomic context (GRCh38, chr11:108,302,969, plus strand): 5'-AAATCTGTGGATTCCTCTAAGTGAAAATCATGACATTTGGATAAAGACACTGACTTGTGC[T>G]TTTTTGGACAGTGGAGGCACAAAATGTGAAATTCTTCAATTATTAAAGCCAATGTGTGAA-3'
Protein context (NP_000042.3, residues 1802-1822): HDIWIKTLTC[Ala1812=]FLDSGGTKCE

ClinVar aggregate classification (germline): Benign/Likely benign. Review status: criteria provided, multiple submitters, no conflicts (2 of 4 stars). 3 submissions from 3 submitters: Benign (1); Likely benign (2). Last evaluated 2025-07-23.

Conditions:
Hereditary cancer-predisposing syndrome. Also called: Neoplastic Syndromes, Hereditary; Tumor predisposition; Hereditary Cancer Syndrome; Hereditary neoplastic syndrome. Identifiers: Orphanet 140162, MedGen C0027672, MeSH D009386, MONDO:0015356.
Familial cancer of breast. Also called: hereditary breast carcinoma; BREAST CANCER, FAMILIAL; Hereditary breast cancer. Identifiers: Orphanet 227535, MedGen C0346153, MONDO:0016419, OMIM 114480. Disease mechanism: loss of function.
Ataxia-telangiectasia syndrome (AT). Also called: ATAXIA-TELANGIECTASIA, COMPLEMENTATION GROUP A; ATAXIA-TELANGIECTASIA, FRESNO VARIANT; Ataxia-telangiectasia; Ataxia-telangiectasia, complementation group D; AT, COMPLEMENTATION GROUP C; Ataxia-telangiectasia, complementation group E. Identifiers: Orphanet 100, MedGen C0004135, MONDO:0008840, OMIM 208900.

Submissions (3):

Labcorp Genetics (formerly Invitae), Labcorp
Classification: Likely benign for Ataxia-telangiectasia syndrome. Last evaluated: 2025-07-23. Review status: criteria provided, single submitter. Criteria: Invitae Variant Classification Sherloc (09022015). Collection method: clinical testing. Allele origin: germline.

Myriad Genetics, Inc.
Classification: Benign for Familial cancer of breast. Last evaluated: 2024-05-23. Review status: criteria provided, single submitter. Criteria: Myriad Autosomal Dominant, Autosomal Recessive and X-Linked Classification Criteria (2023). Collection method: clinical testing. Allele origin: unknown.
Comment: This variant is considered benign. This variant is a silent/synonymous amino acid change and it is not expected to impact splicing.

Ambry Genetics
Classification: Likely benign for Hereditary cancer-predisposing syndrome. Last evaluated: 2018-03-19. Review status: criteria provided, single submitter. Criteria: Ambry Variant Classification Scheme 2023. Collection method: clinical testing. Allele origin: germline.